The following is an entry in ClinVar:

ClinVar aggregate classification (germline): Uncertain significance. Review status: criteria provided, multiple submitters, no conflicts (2 of 4 stars). 2 submissions from 2 submitters: Uncertain significance (2). Last evaluated 2024-04-15.

Conditions:
Inborn genetic diseases. Identifiers: MedGen C0950123, MeSH D030342.

gnomAD v4.1: 2 of 1,614,180 alleles (0.00012%); highest among the groups gnomAD compares: Non-Finnish European, 0.00017%; no homozygotes.

Submissions (2):

Labcorp Genetics (formerly Invitae), Labcorp
Classification: Uncertain significance. Last evaluated: 2024-04-15. Review status: criteria provided, single submitter. Criteria: Invitae Variant Classification Sherloc (09022015). Collection method: clinical testing. Allele origin: germline.
Comment: This sequence change replaces phenylalanine, which is neutral and non-polar, with leucine, which is neutral and non-polar, at codon 288 of the MDH2 protein (p.Phe288Leu). This variant is not present in population databases (gnomAD no frequency). This variant has not been reported in the literature in individuals affected with MDH2-related conditions. Advanced modeling of protein sequence and biophysical properties (such as structural, functional, and spatial information, amino acid conservation, physicochemical variation, residue mobility, and thermodynamic stability) performed at Invitae indicates that this missense variant is not expected to disrupt MDH2 protein function with a negative predictive value of 80%. In summary, the available evidence is currently insufficient to determine the role of this variant in disease. Therefore, it has been classified as a Variant of Uncertain Significance.

Ambry Genetics
Classification: Uncertain significance for Inborn genetic diseases. Last evaluated: 2024-02-12. Review status: criteria provided, single submitter. Criteria: Ambry Variant Classification Scheme 2023. Collection method: clinical testing. Allele origin: germline.
Comment: The p.F288L variant (also known as c.862T>C), located in coding exon 8 of the MDH2 gene, results from a T to C substitution at nucleotide position 862. The phenylalanine at codon 288 is replaced by leucine, an amino acid with highly similar properties. This amino acid position is conserved. In addition, the in silico prediction for this alteration is inconclusive. Based on the available evidence, the clinical significance of this alteration remains unclear.

NM_005918.4(MDH2):c.862T>C (p.Phe288Leu)

Gene: MDH2 (malate dehydrogenase 2; plus strand). Cytogenetic location: 7q11.23.
Variant type: single nucleotide variant.
Coding change: c.862T>C on transcript NM_005918.4 (MANE Select); coding-DNA position 862, T replaced by C.
Protein change: p.Phe288Leu; replaces phenylalanine 288 with leucine.
Molecular consequence: missense variant.
Genome position (GRCh38, 1-based): chr7:76,064,930, T>C. VCF-style: chr7-76064930-T-C. GRCh37 (hg19) VCF-style: chr7-75694248-T-C.
Other names: c.736T>C, p.Phe246Leu (NM_001282403.2); c.541T>C, p.Phe181Leu (NM_001282404.2); short protein forms F181L, F246L, F288L.
Identifiers: ClinVar variation 3225218 (VCV003225218.2), dbSNP rs1554587653, ClinGen allele CA367768789.